The following is an entry in ClinVar:

NM_012210.4(TRIM32):c.302_319dup (p.Arg106_Leu107insArgSerCysGlyArgArg)

Genes: ASTN2 (astrotactin 2; minus strand), TRIM32 (tripartite motif containing 32; plus strand). Cytogenetic location: 9q33.1.
Variant type: Duplication.
Coding change: c.302_319dup on transcript NM_012210.4 (MANE Select); coding-DNA positions 302 to 319, 18 bases duplicated (GGTCCTGTGGGCGGCGTC).
Protein change: p.Arg106_Leu107insArgSerCysGlyArgArg.
Molecular consequence: inframe insertion. On other transcripts: intron variant (3), inframe indel (1).
Genome position (GRCh38, 1-based): chr9:116,698,044-116,698,061, GGTCCTGTGGGCGGCGTC duplicated; duplicating any 18 consecutive bases within chr9:116,698,041-116,698,061 gives the same sequence; the c. name uses the placement nearest the transcript's 3' end. VCF-style (leftmost placement, unchanged base first): chr9-116698040-T-TGTCGGTCCTGTGGGCGGC. GRCh37 (hg19) VCF-style: chr9-119460319-T-TGTCGGTCCTGTGGGCGGC.
Other names: c.302_319dup, p.Arg106_Leu107insArgSerCysGlyArgArg (NM_001099679.2, NM_001379048.1, NM_001379049.1 and 1 more transcripts); c.2653+27713_2653+27730dup (NM_014010.5); c.2794+27713_2794+27730dup (NM_001365069.1); c.2806+27713_2806+27730dup (NM_001365068.1); c.302_319dup18 (NM_012210.3).
Identifiers: ClinVar variation 5001839 (VCV005001839.1).

ClinVar aggregate classification (germline): Uncertain significance (1 of 4 stars; one submission).

Conditions:
TRIM32-related disorder. Also called: TRIM32-related condition.

Submission:

PreventionGenetics, part of Exact Sciences
Classification: Uncertain significance for TRIM32-related condition. Last evaluated: 2024-10-16. Review status: criteria provided, single submitter. Criteria: ACMG Guidelines, 2015. Collection method: clinical testing. Allele origin: germline.
Comment: The TRIM32 c.302_319dup18 variant is predicted to result in an in-frame duplication (p.Arg101_Arg106dup). To our knowledge, this variant has not been reported in the literature or in a large population database (gnomAD), indicating this variant is rare. At this time, the clinical significance of this variant is uncertain due to the absence of conclusive functional and genetic evidence.